The following is an entry in ClinVar:

NM_001212.4(C1QBP):c.445C>T (p.Pro149Ser)

Gene: C1QBP (complement C1q binding protein; minus strand). Cytogenetic location: 17p13.2.
Variant type: single nucleotide variant.
Coding change: c.445C>T on transcript NM_001212.4 (MANE Select); coding-DNA position 445, C replaced by T.
Protein change: p.Pro149Ser; replaces proline 149 with serine.
Molecular consequence: missense variant.
Genome position (GRCh38, 1-based): chr17:5,434,905, G>A on the plus strand (C>T on the coding strand, the complement: C1QBP is on the minus strand). VCF-style: chr17-5434905-G-A. GRCh37 (hg19) VCF-style: chr17-5338225-G-A.
Other names: c.445C>T (NM_001212.3); short protein forms P149S.
Identifiers: ClinVar variation 2070505 (VCV002070505.2), dbSNP rs549152443, ClinGen allele CA8325287.

ClinVar aggregate classification (germline): Uncertain significance. Review status: criteria provided, multiple submitters, no conflicts (2 of 4 stars). 2 submissions from 2 submitters: Uncertain significance (2). Last evaluated 2025-01-18.

Conditions:
Inborn genetic diseases. Identifiers: MedGen C0950123, MeSH D030342.

Allele frequency attached by ClinVar (database versions not stated): ExAC 0.00005; gnomAD 0.00014; 1000 Genomes Project 0.00020; TOPMed 0.00020; 1000 Genomes Project 30x 0.00031.
gnomAD v4.1: 42 of 1,614,032 alleles (0.0026%); highest among the groups gnomAD compares: African/African-American, 0.041%; no homozygotes.

Submissions (2):

Ambry Genetics
Classification: Uncertain significance for Inborn genetic diseases. Last evaluated: 2025-01-18. Review status: criteria provided, single submitter. Criteria: Ambry Variant Classification Scheme 2023. Collection method: clinical testing. Allele origin: germline.

Labcorp Genetics (formerly Invitae), Labcorp
Classification: Uncertain significance. Last evaluated: 2022-04-04. Review status: criteria provided, single submitter. Criteria: Invitae Variant Classification Sherloc (09022015). Collection method: clinical testing. Allele origin: germline.
Comment: This sequence change replaces proline, which is neutral and non-polar, with serine, which is neutral and polar, at codon 149 of the C1QBP protein (p.Pro149Ser). This variant is present in population databases (rs549152443, gnomAD 0.05%). This variant has not been reported in the literature in individuals affected with C1QBP-related conditions. Algorithms developed to predict the effect of missense changes on protein structure and function output the following: SIFT: "Tolerated"; PolyPhen-2: "Benign"; Align-GVGD: "Class C0". The serine amino acid residue is found in multiple mammalian species, which suggests that this missense change does not adversely affect protein function. In summary, the available evidence is currently insufficient to determine the role of this variant in disease. Therefore, it has been classified as a Variant of Uncertain Significance.